The following is an entry in ClinVar:

NM_007294.4(BRCA1):c.3074C>G (p.Thr1025Arg)

Gene: BRCA1 (BRCA1 DNA repair associated; minus strand). Cytogenetic location: 17q21.31.
Variant type: single nucleotide variant.
Coding change: c.3074C>G on transcript NM_007294.4 (MANE Select); coding-DNA position 3074, C replaced by G.
Protein change: p.Thr1025Arg; replaces threonine 1025 with arginine.
Molecular consequence: missense variant. On other transcripts: intron variant (137).
Genome position (GRCh38, 1-based): chr17:43,092,457, G>C on the plus strand (C>G on the coding strand, the complement: BRCA1 is on the minus strand). VCF-style: chr17-43092457-G-C. GRCh37 (hg19) VCF-style: chr17-41244474-G-C.
Other names: c.785-1425C>G (NM_001407972.1, NM_001408397.1, NM_001408401.1 and 13 more transcripts); c.665-1425C>G (NM_001408441.1, NM_001408437.1, NM_001408429.1 and 12 more transcripts); c.788-1425C>G (NM_001407979.1, NM_001407977.1, NM_001407982.1 and 17 more transcripts); c.647-1425C>G (NM_001408410.1, NM_001408458.1, NM_001408469.1 and 11 more transcripts); c.710-1425C>G (NM_001408415.1, NM_001408412.1, NM_001408409.1 and 2 more transcripts); c.578-1425C>G (NM_001408483.1, NM_001408481.1, NM_001408480.1 and 9 more transcripts); c.2861C>G, p.Thr954Arg (NM_001407571.1, NM_001407853.1, NM_001407894.1 and 9 more transcripts); c.3071C>G, p.Thr1024Arg (NM_001407587.1, NM_001407590.1, NM_001407591.1 and 22 more transcripts); and 41 more; short protein forms T1022R, T1025R, T729R, T897R, T914R, T937R, T977R, T984R.
Identifiers: ClinVar variation 3634658 (VCV003634658.2).

ClinVar aggregate classification (germline): Uncertain significance (1 of 4 stars; one submission).

Conditions:
Hereditary breast ovarian cancer syndrome. Also called: Hereditary breast and ovarian cancer syndrome; Hereditary breast and ovarian cancer syndrome (HBOC); BRCA1- and BRCA2-Associated Hereditary Breast and Ovarian Cancer; Hereditary breast and ovarian cancer; Breast and ovarian cancer; Hereditary breast and/or ovarian cancer syndrome. Identifiers: Orphanet 145, MedGen C0677776, MeSH D061325, MONDO:0003582. Disease mechanism: loss of function.

Submission:

Labcorp Genetics (formerly Invitae), Labcorp
Classification: Uncertain significance for Hereditary breast ovarian cancer syndrome. Last evaluated: 2024-05-02. Review status: criteria provided, single submitter. Criteria: Invitae Variant Classification Sherloc (09022015). Collection method: clinical testing. Allele origin: germline.
Comment: This sequence change replaces threonine, which is neutral and polar, with arginine, which is basic and polar, at codon 1025 of the BRCA1 protein (p.Thr1025Arg). This variant is not present in population databases (gnomAD no frequency). This variant has not been reported in the literature in individuals affected with BRCA1-related conditions. Advanced modeling of protein sequence and biophysical properties (such as structural, functional, and spatial information, amino acid conservation, physicochemical variation, residue mobility, and thermodynamic stability) performed at Invitae indicates that this missense variant is not expected to disrupt BRCA1 protein function with a negative predictive value of 95%. In summary, the available evidence is currently insufficient to determine the role of this variant in disease. Therefore, it has been classified as a Variant of Uncertain Significance.